The following is an entry in ClinVar:

NM_025009.5(CEP135):c.940A>T (p.Lys314Ter)

Gene: CEP135 (centrosomal protein 135; plus strand). Cytogenetic location: 4q12.
Variant type: single nucleotide variant.
Coding change: c.940A>T on transcript NM_025009.5 (MANE Select); coding-DNA position 940, A replaced by T.
Protein change: p.Lys314Ter; replaces lysine 314 with a stop codon.
Molecular consequence: nonsense.
Genome position (GRCh38, 1-based): chr4:55,965,755, A>T. VCF-style: chr4-55965755-A-T. GRCh37 (hg19) VCF-style: chr4-56831921-A-T.
Other names: short protein forms K314*.
Identifiers: ClinVar variation 1394922 (VCV001394922.6), dbSNP rs1728822488, ClinGen allele CA356976891.

ClinVar aggregate classification (germline): Pathogenic (1 of 4 stars; one submission).

Allele frequency attached by ClinVar (database versions not stated): gnomAD 0.00001.
gnomAD v4.1: 1 of 1,613,820 alleles (0.000062%); highest among the groups gnomAD compares: African/African-American, 0.0013%; no homozygotes.

Submission:

Labcorp Genetics (formerly Invitae), Labcorp
Classification: Pathogenic. Last evaluated: 2022-02-05. Review status: criteria provided, single submitter. Criteria: Invitae Variant Classification Sherloc (09022015). Collection method: clinical testing. Allele origin: germline.
Comment: This sequence change creates a premature translational stop signal (p.Lys314*) in the CEP135 gene. It is expected to result in an absent or disrupted protein product. Loss-of-function variants in CEP135 are known to be pathogenic (PMID: 22521416, 26657937). This variant is not present in population databases (gnomAD no frequency). This variant has not been reported in the literature in individuals affected with CEP135-related conditions. For these reasons, this variant has been classified as Pathogenic.

Literature cited by the submitters: PubMed 22521416; PubMed 26657937.